The following is an entry in ClinVar:

ClinVar aggregate classification (germline): Uncertain significance (1 of 4 stars; one submission).

Conditions:
Luscan-Lumish syndrome. Identifiers: Orphanet 597738, MedGen C4085873, MONDO:0014791, OMIM 616831.

Allele frequency attached by ClinVar (database versions not stated): gnomAD exomes 0.00002.
gnomAD v4.1: 12 of 1,602,252 alleles (0.00075%); highest among the groups gnomAD compares: Non-Finnish European, 0.001%; no homozygotes.

Submission:

Baylor Genetics
Classification: Uncertain significance for Luscan-Lumish syndrome. Last evaluated: 2018-11-12. Review status: criteria provided, single submitter. Criteria: ACMG Guidelines, 2015. Collection method: clinical testing. Allele origin: paternal. Affected: yes.
Comment: This variant was determined to be of uncertain significance according to ACMG Guidelines, 2015 [PMID:25741868].

NM_014159.7(SETD2):c.4840A>G (p.Ile1614Val)

Gene: SETD2 (SET domain containing 2, histone lysine methyltransferase; minus strand). Cytogenetic location: 3p21.31.
Variant type: single nucleotide variant.
Coding change: c.4840A>G on transcript NM_014159.7 (MANE Select); coding-DNA position 4840, A replaced by G.
Protein change: p.Ile1614Val; replaces isoleucine 1614 with valine.
Molecular consequence: missense variant. On other transcripts: non-coding transcript variant (1).
Genome position (GRCh38, 1-based): chr3:47,103,423, T>C on the plus strand (A>G on the coding strand, the complement: SETD2 is on the minus strand). VCF-style: chr3-47103423-T-C. GRCh37 (hg19) VCF-style: chr3-47144913-T-C.
Other names: c.4708A>G, p.Ile1570Val (NM_001349370.3); short protein forms I1614V, I1570V.
Identifiers: ClinVar variation 1031802 (VCV001031802.1), dbSNP rs2042289966, ClinGen allele CA352513814.